The following is an entry in ClinVar:

ClinVar aggregate classification (germline): Pathogenic. Review status: criteria provided, multiple submitters, no conflicts (2 of 4 stars). 3 submissions from 3 submitters: Pathogenic (3). Last evaluated 2026-06-08.

Conditions:
Bethlem myopathy 1A. Also called: Bethlem Muscular Dystrophy; Bethlem myopathy 1; MYOPATHY, BENIGN CONGENITAL, WITH CONTRACTURES. Identifiers: Orphanet 610, MedGen CN029274, MONDO:0024530, OMIM 158810.
COL6A1-related disorder. Also called: COL6A1-related condition.

Submissions (3):

PreventionGenetics, part of Exact Sciences
Classification: Pathogenic for COL6A1-related condition. Last evaluated: 2026-06-08. Review status: criteria provided, single submitter. Criteria: ACMG Guidelines, 2015. Collection method: clinical testing. Allele origin: germline.
Comment: The COL6A1 c.1003-2A>C variant is predicted to disrupt the AG splice acceptor site and interfere with normal splicing. This variant has been reported in an individual with Bethlem myopathy and was reported to cause exon 14 skipping (Cruz et al. 2016. PubMed ID: 27854213). This variant has not been reported in a large population database, indicating it is rare. Alternative nucleotide substitutions (c.1003-1G>A, c.1003-1G>T, c.1003G>C, c.1003-2A>G) affecting the same splice site have also been reported in individuals with autosomal dominant COL6A1-related disorders (Hicks et al. 2008. PubMed ID: 18378883; Deconinck et al 2015. PubMed ID: 25535305; Chae et al. 2015. PubMed ID: 25635128). Variants that disrupt the consensus splice acceptor site in COL6A1 are expected to be pathogenic. This variant is interpreted as pathogenic for autosomal dominant COL6A1-related disorders.

Labcorp Genetics (formerly Invitae), Labcorp
Classification: Pathogenic for Bethlem myopathy 1A. Last evaluated: 2025-11-12. Review status: criteria provided, single submitter. Criteria: Invitae Variant Classification Sherloc (09022015). Collection method: clinical testing. Allele origin: germline.
Comment: This sequence change affects an acceptor splice site in intron 13 of the COL6A1 gene. RNA analysis indicates that disruption of this splice site induces altered splicing and likely results in a shortened protein product. This variant is not present in population databases (gnomAD no frequency). Disruption of this splice site has been observed in individual(s) with autosomal dominant COL6A1-related condition (PMID: 25635128, 27854213, 28771251). In at least one individual the variant was observed to be de novo. ClinVar contains an entry for this variant (Variation ID: 653239). Studies have shown that disruption of this splice site results in skipping of exon 14, but is expected to preserve the integrity of the reading-frame (PMID: 27854213). This variant disrupts the triple helix domain of COL6A1. Glycine residues within the Gly-Xaa-Yaa repeats of the triple helix domain are required for the structure and stability of fibrillar collagens (PMID: 7695699, 8218237, 19344236). In COL6A1, variants at these glycine residues are significantly enriched in individuals with autosomal dominant disease (PMID: 15689448, 24038877) compared to the general population (ExAC). For these reasons, this variant has been classified as Pathogenic.

Blueprint Genetics
Classification: Pathogenic for COL6A1-related disorders. Last evaluated: 2021-11-25. Review status: criteria provided, single submitter. Criteria: ACMG Guidelines, 2015. Collection method: clinical testing. Allele origin: germline. Affected: yes. Observed: 1 variant allele.

Literature cited by the submitters: PubMed 25635128 (cited by Labcorp Genetics (formerly Invitae), Labcorp); PubMed 27854213 (cited by Labcorp Genetics (formerly Invitae), Labcorp); PubMed 28771251 (cited by Labcorp Genetics (formerly Invitae), Labcorp); PubMed 7695699 (cited by Labcorp Genetics (formerly Invitae), Labcorp); PubMed 8218237 (cited by Labcorp Genetics (formerly Invitae), Labcorp); PubMed 19344236 (cited by Labcorp Genetics (formerly Invitae), Labcorp); PubMed 15689448 (cited by Labcorp Genetics (formerly Invitae), Labcorp); PubMed 24038877 (cited by Labcorp Genetics (formerly Invitae), Labcorp).

NM_001848.3(COL6A1):c.1003-2A>C

Gene: COL6A1 (collagen type VI alpha 1 chain; plus strand). Cytogenetic location: 21q22.3.
Variant type: single nucleotide variant.
Coding change: c.1003-2A>C on transcript NM_001848.3 (MANE Select); the canonical splice acceptor site of the intron before coding-DNA position 1003, A replaced by C.
Molecular consequence: splice acceptor variant.
Genome position (GRCh38, 1-based): chr21:45,990,771, A>C. VCF-style: chr21-45990771-A-C. GRCh37 (hg19) VCF-style: chr21-47410685-A-C.
Identifiers: ClinVar variation 653239 (VCV000653239.10), dbSNP rs797045477, ClinGen allele CA410523311.
Genomic context (GRCh38, chr21:45,990,771, plus strand): 5'-GTTGATTGGCCTCAGTTTACCCACTTGGCCGTCAGATTTTCTAGTTTTCTTCCTCTTTCC[A>C]GGGGGAGATGGGGTACCCAGGCCTGCCAGGCTGCAAGGGCTCGCCCGGGTTTGACGTAAG-3'